The following is an entry in ClinVar:

NM_000264.5(PTCH1):c.805A>C (p.Lys269Gln)

Gene: PTCH1 (patched 1; minus strand). Cytogenetic location: 9q22.32.
Variant type: single nucleotide variant.
Coding change: c.805A>C on transcript NM_000264.5 (MANE Select); coding-DNA position 805, A replaced by C.
Protein change: p.Lys269Gln; replaces lysine 269 with glutamine.
Molecular consequence: missense variant. On other transcripts: non-coding transcript variant (1).
Genome position (GRCh38, 1-based): chr9:95,480,530, T>G on the plus strand (A>C on the coding strand, the complement: PTCH1 is on the minus strand). VCF-style: chr9-95480530-T-G. GRCh37 (hg19) VCF-style: chr9-98242812-T-G.
Other names: c.607A>C, p.Lys203Gln (NM_001083602.3); c.802A>C, p.Lys268Gln (NM_001083603.3); c.352A>C, p.Lys118Gln (NM_001083604.3, NM_001083605.3, NM_001083606.3 and 1 more transcripts); c.805A>C, p.Lys269Gln (NM_001354918.2); short protein forms K269Q, K268Q, K118Q, K203Q.
Identifiers: ClinVar variation 5027504 (VCV005027504.1).

ClinVar aggregate classification (germline): Uncertain significance (1 of 4 stars; one submission).

Conditions:
Hereditary cancer-predisposing syndrome. Also called: Neoplastic Syndromes, Hereditary; Tumor predisposition; Hereditary neoplastic syndrome; Hereditary Cancer Syndrome. Identifiers: Orphanet 140162, MedGen C0027672, MeSH D009386, MONDO:0015356.

Submission:

Ambry Genetics
Classification: Uncertain significance for Hereditary cancer-predisposing syndrome. Last evaluated: 2026-07-07. Review status: criteria provided, single submitter. Criteria: Ambry Variant Classification Scheme 2023. Collection method: clinical testing. Allele origin: germline.
Comment: The p.K203Q variant (also known as c.607A>C), located in coding exon 6 of the PTCH1 gene, results from an A to C substitution at nucleotide position 607. The lysine at codon 203 is replaced by glutamine, an amino acid with similar properties. This amino acid position is conserved. In addition, this alteration is predicted to be tolerated by in silico analysis. Based on the available evidence, the clinical significance of this variant remains unclear.